The following is an entry in ClinVar:

NM_001851.6(COL9A1):c.5_7del (p.Lys2del)

Gene: COL9A1 (collagen type IX alpha 1 chain; minus strand). Cytogenetic location: 6q13.
Variant type: Deletion.
Coding change: c.5_7del on transcript NM_001851.6 (MANE Select); coding-DNA positions 5 to 7, 3 bases deleted (AGA; older notation c.5_7delAGA).
Protein change: p.Lys2del; deletes lysine 2.
Molecular consequence: inframe deletion, initiator codon variant.
Genome position (GRCh38, 1-based): chr6:70,302,918-70,302,920, TCT deleted on the plus strand (AGA on the coding strand, the reverse complement: COL9A1 is on the minus strand); deleting any 3 consecutive bases within chr6:70,302,918-70,302,922 gives the same sequence; the c. name uses the placement nearest the transcript's 3' end. VCF-style (leftmost placement, unchanged base first): chr6-70302917-GTCT-G. GRCh37 (hg19) VCF-style: chr6-71012620-GTCT-G.
Other names: c.5_7del, p.Lys2del (NM_001377291.1); short protein forms K2del.
Identifiers: ClinVar variation 1504461 (VCV001504461.9), dbSNP rs1389297007, ClinGen allele CA827624548.
Genomic context (GRCh38, chr6:70,302,917, plus strand): 5'-CTGAGGACCCCCAGCTCCATCTCCCCACCACTCTTTCCAGGGTTATTGTCTTACCAGCAG[GTCT>G]TCATTTTCCCAGTTGATTTTCTTTGTTTGCCAACAGTCCCTATGAAGAAGGGGTTGGAAG-3'

ClinVar aggregate classification (germline): Uncertain significance (1 of 4 stars; one submission).

Submission:

Labcorp Genetics (formerly Invitae), Labcorp
Classification: Uncertain significance. Last evaluated: 2022-10-13. Review status: criteria provided, single submitter. Criteria: Invitae Variant Classification Sherloc (09022015). Collection method: clinical testing. Allele origin: germline.
Comment: In summary, the available evidence is currently insufficient to determine the role of this variant in disease. Therefore, it has been classified as a Variant of Uncertain Significance. Experimental studies and prediction algorithms are not available or were not evaluated, and the functional significance of this variant is currently unknown. ClinVar contains an entry for this variant (Variation ID: 1504461). This variant has not been reported in the literature in individuals affected with COL9A1-related conditions. This variant is not present in population databases (gnomAD no frequency). This variant, c.5_7del, results in the deletion of 1 amino acid(s) of the COL9A1 protein (p.Lys2del), but otherwise preserves the integrity of the reading frame.